The following is an entry in ClinVar:

ClinVar aggregate classification (germline): Uncertain significance (1 of 4 stars; one submission).

Conditions:
Vici syndrome (VICIS). Identifiers: Orphanet 1493, MedGen C1855772, MONDO:0009452, OMIM 242840.

Allele frequency attached by ClinVar (database versions not stated): gnomAD 0.00003; gnomAD exomes 0.00003 and 0.00005; TOPMed 0.00003; ExAC 0.00004.
gnomAD v4.1: 41 of 1,613,858 alleles (0.0025%); highest among the groups gnomAD compares: South Asian, 0.032%; no homozygotes.

Submission:

Labcorp Genetics (formerly Invitae), Labcorp
Classification: Uncertain significance for Vici syndrome. Last evaluated: 2021-09-01. Review status: criteria provided, single submitter. Criteria: Invitae Variant Classification Sherloc (09022015). Collection method: clinical testing. Allele origin: germline.
Comment: This sequence change replaces arginine with glutamine at codon 2056 of the EPG5 protein (p.Arg2056Gln). The arginine residue is moderately conserved and there is a small physicochemical difference between arginine and glutamine. This variant is present in population databases (rs753386481, ExAC 0.02%). This variant has not been reported in the literature in individuals affected with EPG5-related conditions. Algorithms developed to predict the effect of missense changes on protein structure and function output the following: SIFT: "Tolerated"; PolyPhen-2: "Benign"; Align-GVGD: "Class C0". The glutamine amino acid residue is found in multiple mammalian species, which suggests that this missense change does not adversely affect protein function. In summary, the available evidence is currently insufficient to determine the role of this variant in disease. Therefore, it has been classified as a Variant of Uncertain Significance.

NM_020964.3(EPG5):c.6167G>A (p.Arg2056Gln)

Gene: EPG5 (ectopic P-granules 5 autophagy tethering factor; minus strand). Cytogenetic location: 18q12.3.
Variant type: single nucleotide variant.
Coding change: c.6167G>A on transcript NM_020964.3 (MANE Select); coding-DNA position 6167, G replaced by A.
Protein change: p.Arg2056Gln; replaces arginine 2056 with glutamine.
Molecular consequence: missense variant.
Genome position (GRCh38, 1-based): chr18:45,870,625, C>T on the plus strand (G>A on the coding strand, the complement: EPG5 is on the minus strand). VCF-style: chr18-45870625-C-T. GRCh37 (hg19) VCF-style: chr18-43450590-C-T.
Other names: short protein forms R2056Q.
Identifiers: ClinVar variation 837863 (VCV000837863.8), dbSNP rs753386481, ClinGen allele CA8948355.
Genomic context (GRCh38, chr18:45,870,625, plus strand): 5'-ACTTTGAAGAAGGCCTCCATGAGCATCTGGTCAGGGTGCAGGTCCTTCCATGGCAGTTTC[C>T]GGTACGTGCTATGGAAAGCGTACAGAATGAACTCTGGCATTTTGGGTGCTGTACATGCTT-3'
Protein context (NP_066015.2, residues 2046-2066): FILYAFHSTY[Arg2056Gln]KLPWKDLHPD